The following is an entry in ClinVar:

NM_002878.4(RAD51D):c.505G>A (p.Val169Met)

Genes: RAD51L3-RFFL (RAD51L3-RFFL readthrough; minus strand), RAD51D (RAD51 paralog D; minus strand). Cytogenetic location: 17q12.
Variant type: single nucleotide variant.
Coding change: c.505G>A on transcript NM_002878.4 (MANE Select); coding-DNA position 505, G replaced by A.
Protein change: p.Val169Met; replaces valine 169 with methionine.
Molecular consequence: missense variant. On other transcripts: non-coding transcript variant (3).
Genome position (GRCh38, 1-based): chr17:35,106,457, C>T on the plus strand (G>A on the coding strand, the complement: RAD51D is on the minus strand). VCF-style: chr17-35106457-C-T. GRCh37 (hg19) VCF-style: chr17-33433476-C-T.
Other names: c.565G>A, p.Val189Met (NM_001142571.2); c.169G>A, p.Val57Met (NM_133629.3); short protein forms V57M, V169M, V189M.
Identifiers: ClinVar variation 1745092 (VCV001745092.6), dbSNP rs2142429489, ClinGen allele CA399088939.

ClinVar aggregate classification (germline): Uncertain significance. Review status: criteria provided, multiple submitters, no conflicts (2 of 4 stars). 3 submissions from 3 submitters: Uncertain significance (3). Last evaluated 2025-07-08.

Conditions:
Ependymoma. Also called: Ependymoma, familial; Clear cell ependymoma (histologic variant); Papillary ependymoma (histologic variant); Cellular ependymoma (histologic variant); Tanycytic ependymoma (histologic variant). Identifiers: Orphanet 251636, MedGen C0014474, MeSH D004806, MONDO:0016698, HP:0002888.
Hereditary cancer-predisposing syndrome. Also called: Hereditary Cancer Syndrome; Neoplastic Syndromes, Hereditary; Tumor predisposition; Hereditary neoplastic syndrome. Identifiers: Orphanet 140162, MedGen C0027672, MeSH D009386, MONDO:0015356.
Breast-ovarian cancer, familial, susceptibility to, 4. Identifiers: Orphanet 145, MedGen C3280345, MONDO:0013669, OMIM 614291.

Submissions (3):

Ambry Genetics
Classification: Uncertain significance for Hereditary cancer-predisposing syndrome. Last evaluated: 2025-07-08. Review status: criteria provided, single submitter. Criteria: Ambry Variant Classification Scheme 2023. Collection method: clinical testing. Allele origin: germline.
Comment: The p.V169M variant (also known as c.505G>A), located in coding exon 6 of the RAD51D gene, results from a G to A substitution at nucleotide position 505. The valine at codon 169 is replaced by methionine, an amino acid with highly similar properties. This amino acid position is highly conserved in available vertebrate species. In addition, the in silico prediction for this alteration is inconclusive. Based on the available evidence, the clinical significance of this variant remains unclear.

Labcorp Genetics (formerly Invitae), Labcorp
Classification: Uncertain significance for Breast-ovarian cancer, familial, susceptibility to, 4. Last evaluated: 2024-03-16. Review status: criteria provided, single submitter. Criteria: Invitae Variant Classification Sherloc (09022015). Collection method: clinical testing. Allele origin: germline.
Comment: This sequence change replaces valine, which is neutral and non-polar, with methionine, which is neutral and non-polar, at codon 169 of the RAD51D protein (p.Val169Met). This variant is not present in population databases (gnomAD no frequency). This variant has not been reported in the literature in individuals affected with RAD51D-related conditions. ClinVar contains an entry for this variant (Variation ID: 1745092). Advanced modeling of protein sequence and biophysical properties (such as structural, functional, and spatial information, amino acid conservation, physicochemical variation, residue mobility, and thermodynamic stability) has been performed at Invitae for this missense variant, however the output from this modeling did not meet the statistical confidence thresholds required to predict the impact of this variant on RAD51D protein function. In summary, the available evidence is currently insufficient to determine the role of this variant in disease. Therefore, it has been classified as a Variant of Uncertain Significance.

Laboratory of Medical Genetics Unit, Bambino Gesù Children's Hospital
Classification: Uncertain significance for Ependymoma. Review status: criteria provided, single submitter. Criteria: ACMG Guidelines, 2015. Collection method: research. Allele origin: germline. Affected: yes.
Comment: The variant NM_002878.3 (RAD51D): c.505G>A (p.Val169Met) is not reported in GnomAD and in literature. It is annotated on Clinvar as VUS in in Hereditary Cancer-predisposing Syndrome [RCV002335784.3]. It is classified as VUS following the ACMG criteria (PM2).